The following is an entry in ClinVar:

ClinVar aggregate classification (germline): Likely benign (0 of 4 stars; one submission).

Conditions:
ATF6-related disorder. Also called: ATF6-related condition.

Allele frequency attached by ClinVar (database versions not stated): ExAC 0.00001; gnomAD 0.00001; gnomAD exomes 0.00001; 1000 Genomes Project 0.00020; 1000 Genomes Project 30x 0.00031.
gnomAD v4.1: 8 of 1,614,024 alleles (0.0005%); highest among the groups gnomAD compares: Middle Eastern, 0.016%; no homozygotes.

Submission:

PreventionGenetics, part of Exact Sciences
Classification: Likely benign for ATF6-related condition. Last evaluated: 2020-04-15. Review status: no assertion criteria provided. Collection method: clinical testing. Allele origin: germline.
Comment: This variant is classified as likely benign based on ACMG/AMP sequence variant interpretation guidelines (Richards et al. 2015 PMID: 25741868, with internal and published modifications).

NM_007348.4(ATF6):c.834G>A (p.Ala278=)

Gene: ATF6 (activating transcription factor 6; plus strand). Cytogenetic location: 1q23.3.
Variant type: single nucleotide variant.
Coding change: c.834G>A on transcript NM_007348.4 (MANE Select); coding-DNA position 834, G replaced by A.
Protein change: p.Ala278=; no amino-acid change (alanine 278 retained).
Molecular consequence: synonymous variant.
Genome position (GRCh38, 1-based): chr1:161,802,197, G>A. VCF-style: chr1-161802197-G-A. GRCh37 (hg19) VCF-style: chr1-161771987-G-A.
Other names: c.834G>A, p.Ala278= (NM_001410890.1).
Identifiers: ClinVar variation 3054409 (VCV003054409.2), dbSNP rs202091973, ClinGen allele CA1214297.